The following is an entry in ClinVar:

NM_000638.4(VTN):c.1344T>C (p.Asn448=)

Gene: VTN (vitronectin; minus strand). Cytogenetic location: 17q11.2.
Variant type: single nucleotide variant.
Coding change: c.1344T>C on transcript NM_000638.4 (MANE Select); coding-DNA position 1344, T replaced by C.
Protein change: p.Asn448=; no amino-acid change (asparagine 448 retained).
Molecular consequence: synonymous variant.
Genome position (GRCh38, 1-based): chr17:28,367,462, A>G on the plus strand (T>C on the coding strand, the complement: VTN is on the minus strand). VCF-style: chr17-28367462-A-G. GRCh37 (hg19) VCF-style: chr17-26694483-A-G.
Identifiers: ClinVar variation 3059030 (VCV003059030.3), dbSNP rs2227728, ClinGen allele CA8457354.
Genomic context (GRCh38, chr17:28,367,462, plus strand): 5'-GTACTGAGCGATGGAGCGTGGGTAGGGAGGGTCCACAGTGTCCACTCGCCGTGTGCGAAG[A>G]TTGACTCGGTAGTACTTGTCTGGAAGAGAGGAAAGCAGAGGATGCGTGAGGCCCAGCCTG-3'
Protein context (NP_000629.3, residues 438-458): FFSGDKYYRV[Asn448=]LRTRRVDTVD

ClinVar aggregate classification (germline): Likely benign. Review status: criteria provided, single submitter (1 of 4 stars). 2 submissions from 2 submitters: Likely benign (1). 1 of the submissions does not count toward it. Last evaluated 2024-11-28.

Conditions:
VTN-related disorder. Also called: VTN-related condition.

Allele frequency attached by ClinVar (database versions not stated): gnomAD exomes 0.08950; ESP Exome Variant Server 0.10364; TOPMed 0.11011; gnomAD 0.11139; ExAC 0.11325; 1000 Genomes Project 30x 0.15069; 1000 Genomes Project 0.15555.
gnomAD v4.1: 148,485 of 1,613,202 alleles (9.2%); highest among the groups gnomAD compares: East Asian, 20%; 8,012 homozygotes.

Submissions (2):

Blueprint Genetics
Classification: Likely benign. Last evaluated: 2024-11-28. Review status: criteria provided, single submitter. Criteria: ACMG Guidelines, 2015. Collection method: clinical testing. Allele origin: germline.

PreventionGenetics, part of Exact Sciences
Classification: Benign for VTN-related condition. Last evaluated: 2019-11-08. Review status: no assertion criteria provided. Collection method: clinical testing. Allele origin: germline. Not counted in ClinVar's aggregate classification.
Comment: This variant is classified as benign based on ACMG/AMP sequence variant interpretation guidelines (Richards et al. 2015 PMID: 25741868, with internal and published modifications).